The following is an entry in ClinVar:

ClinVar aggregate classification (germline): Pathogenic (1 of 4 stars; one submission).

Submission:

ARUP Laboratories, Molecular Genetics and Genomics, ARUP Laboratories
Classification: Pathogenic. Last evaluated: 2018-02-07. Review status: criteria provided, single submitter. Criteria: ARUP Molecular Germline Variant Investigation Process. Collection method: clinical testing. Allele origin: germline.
Comment: The ENG c.1145delG; p.Cys382fs variant, to our knowledge, is not reported in the medical literature or gene specific databases. This variant is also absent from the general population databases (1000 Genomes Project, Exome Variant Server, Genome Aggregation Database). This variant causes a frameshift by deleting a single nucleotide and is predicted to result in a truncated protein or mRNA subject to nonsense-mediated decay. Based on available information, this variant is considered pathogenic.

NM_001114753.3(ENG):c.1145del (p.Cys382fs)

Genes: ENG (endoglin; minus strand), LOC102723566 (uncharacterized LOC102723566; plus strand). Cytogenetic location: 9q34.11.
Variant type: Deletion.
Coding change: c.1145del on transcript NM_001114753.3 (MANE Select); coding-DNA position 1145, one base deleted (G; older notation c.1145delG).
Protein change: p.Cys382fs; shifts the reading frame from cysteine 382.
Molecular consequence: frameshift variant.
Genome position (GRCh38, 1-based): chr9:127,820,027, C deleted on the plus strand (G on the coding strand, the reverse complement: ENG is on the minus strand). VCF-style (leftmost placement, unchanged base first): chr9-127820026-GC-G. GRCh37 (hg19) VCF-style: chr9-130582305-GC-G.
Other names: c.1145delG, p.Cys382Serfs (NM_000118.4); c.599del, p.Cys200fs (NM_001278138.2); short protein forms C200fs, C382fs.
Identifiers: ClinVar variation 618626 (VCV000618626.9), dbSNP rs1564453634, ClinGen allele CA913190141.